The following is an entry in ClinVar:

NM_012401.4(PLXNB2):c.4580C>T (p.Ser1527Leu)

Gene: PLXNB2 (plexin B2; minus strand). Cytogenetic location: 22q13.33.
Variant type: single nucleotide variant.
Coding change: c.4580C>T on transcript NM_012401.4 (MANE Select); coding-DNA position 4580, C replaced by T.
Protein change: p.Ser1527Leu; replaces serine 1527 with leucine.
Molecular consequence: missense variant.
Genome position (GRCh38, 1-based): chr22:50,278,663, G>A on the plus strand (C>T on the coding strand, the complement: PLXNB2 is on the minus strand). VCF-style: chr22-50278663-G-A. GRCh37 (hg19) VCF-style: chr22-50717092-G-A.
Other names: c.4817C>T, p.Ser1606Leu (NM_001376864.1); c.4649C>T, p.Ser1550Leu (NM_001376865.1); c.4580C>T, p.Ser1527Leu (NM_001376866.1, NM_001376867.1, NM_001376868.1 and 14 more transcripts); c.4556C>T, p.Ser1519Leu (NM_001376883.1); c.4502C>T, p.Ser1501Leu (NM_001376884.1, NM_001376885.1); c.4487C>T, p.Ser1496Leu (NM_001376886.1); short protein forms S1496L, S1519L, S1501L, S1606L, S1527L, S1550L.
Identifiers: ClinVar variation 2317526 (VCV002317526.3), dbSNP rs199650688, ClinGen allele CA10311837.

ClinVar aggregate classification (germline): Uncertain significance. Review status: criteria provided, multiple submitters, no conflicts (2 of 4 stars). 2 submissions from 2 submitters: Uncertain significance (2). Last evaluated 2024-02-21.

Allele frequency attached by ClinVar (database versions not stated): ExAC 0.00010; TOPMed 0.00014; ESP Exome Variant Server 0.00016; gnomAD 0.00016; gnomAD exomes 0.00019.
gnomAD v4.1: 295 of 1,612,322 alleles (0.018%); highest among the groups gnomAD compares: Non-Finnish European, 0.024%; no homozygotes.

Submissions (2):

Ambry Genetics
Classification: Uncertain significance. Last evaluated: 2024-02-21. Review status: criteria provided, single submitter. Criteria: Ambry Variant Classification Scheme 2023. Collection method: clinical testing. Allele origin: germline.

GeneDx
Classification: Uncertain significance. Last evaluated: 2023-09-13. Review status: criteria provided, single submitter. Criteria: GeneDx Variant Classification Process June 2021. Collection method: clinical testing. Allele origin: germline. Affected: yes.
Comment: In silico analysis supports that this missense variant has a deleterious effect on protein structure/function; Has not been previously published as pathogenic or benign to our knowledge; Variants in candidate genes are classified as variants of uncertain significance in accordance with ACMG guidelines (Richards et al., 2015)